The following is an entry in ClinVar:

ClinVar aggregate classification (germline): Pathogenic/Likely pathogenic. Review status: criteria provided, multiple submitters, no conflicts (2 of 4 stars). 4 submissions from 4 submitters: Pathogenic (1); Likely pathogenic (3). Last evaluated 2025-09-25.

Conditions:
Neurofibromatosis, type 1 (NF1). Also called: VON RECKLINGHAUSEN DISEASE; NEUROFIBROMATOSIS, TYPE I, SOMATIC; Peripheral type neurofibromatosis; Neurofibromatosis, type I. Identifiers: Orphanet 636, MedGen C0027831, MONDO:0018975, OMIM 162200. Disease mechanism: loss of function.

Submissions (4):

NHS Central & South Genomic Laboratory Hub
Classification: Pathogenic for Neurofibromatosis type 1. Last evaluated: 2025-09-25. Review status: criteria provided, single submitter. Criteria: ACMG Guidelines, 2015. Collection method: clinical testing. Allele origin: germline. Affected: yes.

GeneDx
Classification: Likely pathogenic. Last evaluated: 2024-10-22. Review status: criteria provided, single submitter. Criteria: GeneDx Variant Classification Process June 2021. Collection method: clinical testing. Allele origin: germline. Affected: yes.
Comment: Intronic variant directly or indirectly altering the +5 splice site in a gene for which loss of function is a known mechanism of disease, and splice predictors support a deleterious effect; Not observed at significant frequency in large population cohorts (gnomAD); This variant is associated with the following publications: (PMID: 15146469, 25074460)

Labcorp Genetics (formerly Invitae), Labcorp
Classification: Likely pathogenic for Neurofibromatosis, type 1. Last evaluated: 2023-12-25. Review status: criteria provided, single submitter. Criteria: Invitae Variant Classification Sherloc (09022015). Collection method: clinical testing. Allele origin: germline.
Comment: This sequence change falls in intron 53 of the NF1 gene. It does not directly change the encoded amino acid sequence of the NF1 protein. It affects a nucleotide within the consensus splice site. This variant is not present in population databases (gnomAD no frequency). This variant has been observed in individual(s) with clinical features of NF1-related conditions (PMID: 25074460). ClinVar contains an entry for this variant (Variation ID: 561510). Variants that disrupt the consensus splice site are a relatively common cause of aberrant splicing (PMID: 17576681, 9536098). Algorithms developed to predict the effect of sequence changes on RNA splicing suggest that this variant may disrupt the consensus splice site. This variant disrupts the c.7907+5G nucleotide in the NF1 gene. Other variant(s) that disrupt this nucleotide have been determined to be pathogenic (PMID: 15146469, 25074460). This suggests that this nucleotide is clinically significant, and that variants that disrupt this position are likely to be disease-causing. In summary, the currently available evidence indicates that the variant is pathogenic, but additional data are needed to prove that conclusively. Therefore, this variant has been classified as Likely Pathogenic.

Genome-Nilou Lab
Classification: Likely pathogenic for Neurofibromatosis, type 1. Last evaluated: 2022-03-15. Review status: criteria provided, single submitter. Criteria: ACMG Guidelines, 2015. Collection method: clinical testing. Allele origin: germline. Affected: no.

Literature cited by the submitters: PubMed 25074460 (cited by Labcorp Genetics (formerly Invitae), Labcorp); PubMed 17576681 (cited by Labcorp Genetics (formerly Invitae), Labcorp); PubMed 9536098 (cited by Labcorp Genetics (formerly Invitae), Labcorp); PubMed 15146469 (cited by Labcorp Genetics (formerly Invitae), Labcorp).

NM_001042492.3(NF1):c.7970+5G>T

Gene: NF1 (neurofibromin 1; plus strand). Cytogenetic location: 17q11.2.
Variant type: single nucleotide variant.
Coding change: c.7970+5G>T on transcript NM_001042492.3 (MANE Select); 5 bases into the intron after coding-DNA position 7970, G replaced by T.
Molecular consequence: intron variant.
Genome position (GRCh38, 1-based): chr17:31,357,374, G>T. VCF-style: chr17-31357374-G-T. GRCh37 (hg19) VCF-style: chr17-29684392-G-T.
Other names: c.7907+5G>T (NM_000267.4).
Identifiers: ClinVar variation 561510 (VCV000561510.10), dbSNP rs1567627286, ClinGen allele CA658824596.